The following is an entry in ClinVar:

NM_152564.5(VPS13B):c.2810A>G (p.Tyr937Cys)

Gene: VPS13B (vacuolar protein sorting 13 homolog B; plus strand). Cytogenetic location: 8q22.2.
Variant type: single nucleotide variant.
Coding change: c.2810A>G on transcript NM_152564.5 (MANE Select); coding-DNA position 2810, A replaced by G.
Protein change: p.Tyr937Cys; replaces tyrosine 937 with cysteine.
Molecular consequence: missense variant.
Genome position (GRCh38, 1-based): chr8:99,275,240, A>G. VCF-style: chr8-99275240-A-G. GRCh37 (hg19) VCF-style: chr8-100287468-A-G.
Other names: c.2810A>G, p.Tyr937Cys (NM_017890.5); short protein forms Y937C.
Identifiers: ClinVar variation 3349866 (VCV003349866.1).

ClinVar aggregate classification (germline): Uncertain significance (0 of 4 stars; one submission).

Conditions:
VPS13B-related disorder. Also called: VPS13B-related condition.

Submission:

PreventionGenetics, part of Exact Sciences
Classification: Uncertain significance for VPS13B-related condition. Last evaluated: 2024-01-22. Review status: no assertion criteria provided. Collection method: clinical testing. Allele origin: germline.
Comment: The VPS13B c.2810A>G variant is predicted to result in the amino acid substitution p.Tyr937Cys. To our knowledge, this variant has not been reported in the literature. This variant is reported in 0.00088% of alleles in individuals of European (Non-Finnish) descent in gnomAD. At this time, the clinical significance of this variant is uncertain due to the absence of conclusive functional and genetic evidence.